The following is an entry in ClinVar:

ClinVar aggregate classification (germline): Benign (3 of 4 stars; one submission).

Conditions:
Breast-ovarian cancer, familial, susceptibility to, 2 (BROVCA2). Also called: BRCA2 Hereditary Breast and Ovarian Cancer. Identifiers: Orphanet 145, MedGen C2675520, MONDO:0012933, OMIM 612555. Disease mechanism: loss of function.

Submission:

Evidence-based Network for the Interpretation of Germline Mutant Alleles (ENIGMA)
Classification: Benign for Breast-ovarian cancer, familial, susceptibility to, 2. Last evaluated: 2019-06-18. Review status: reviewed by expert panel. Criteria: ENIGMA BRCA1/2 Classification Criteria (2017-06-29). Collection method: curation. Allele origin: germline.
Comment: IARC class based on posterior probability from multifactorial likelihood analysis, thresholds for class as per Plon et al. 2008 (PMID: 18951446). Class 1 based on posterior probability = 0.000351

Literature cited by the submitters: PubMed 31131967.

NM_000059.4(BRCA2):c.8734G>A (p.Ala2912Thr)

Gene: BRCA2 (BRCA2 DNA repair associated; plus strand). Cytogenetic location: 13q13.1.
Variant type: single nucleotide variant.
Coding change: c.8734G>A on transcript NM_000059.4 (MANE Select); coding-DNA position 8734, G replaced by A.
Protein change: p.Ala2912Thr; replaces alanine 2912 with threonine.
Molecular consequence: missense variant.
Genome position (GRCh38, 1-based): chr13:32,376,771, G>A. VCF-style: chr13-32376771-G-A. GRCh37 (hg19) VCF-style: chr13-32950908-G-A.
Other names: short protein forms A2912T.
Identifiers: ClinVar variation 812552 (VCV000812552.4), dbSNP rs1593934989, ClinGen allele CA387755013.